The following is an entry in ClinVar:

ClinVar aggregate classification (germline): Pathogenic/Likely pathogenic. Review status: criteria provided, multiple submitters, no conflicts (2 of 4 stars). 7 submissions from 7 submitters: Pathogenic (3); Likely pathogenic (1). 3 of the submissions do not count toward it. Last evaluated 2023-05-01.

Conditions:
PNKD-related disorder. Also called: PNKD-related condition.
Paroxysmal nonkinesigenic dyskinesia. Also called: Paroxysmal non-kinesigenic dyskinesia. Identifiers: Orphanet 98810, MedGen C1869117, MONDO:0700088.
Paroxysmal nonkinesigenic dyskinesia 1 (PNKD1). Also called: PxMD-PNKD; PAROXYSMAL DYSTONIC CHOREOATHETOSIS; MOUNT-REBACK SYNDROME; Nonkinesigenic choreoathetosis; Familial paroxysmal choreoathetosis; Familial Paroxysmal Nonkinesigenic Dyskinesia. Identifiers: Orphanet 98810, MedGen C4551506, MONDO:0700089, OMIM 118800, MONDO:0007326.

Submissions (7):

Labcorp Genetics (formerly Invitae), Labcorp
Classification: Pathogenic for Paroxysmal nonkinesigenic dyskinesia. Last evaluated: 2023-05-01. Review status: criteria provided, single submitter. Criteria: Invitae Variant Classification Sherloc (09022015). Collection method: clinical testing. Allele origin: germline.
Comment: An algorithm developed to predict the effect of missense changes on protein structure and function (PolyPhen-2) suggests that this variant is likely to be disruptive. For these reasons, this variant has been classified as Pathogenic. Experimental studies are conflicting or provide insufficient evidence to determine the effect of this variant on PNKD function (PMID: 19124534, 21487022). ClinVar contains an entry for this variant (Variation ID: 1893). This variant is also known as 66C>T. This missense change has been observed in individuals with paroxysmal non-kinesigenic dyskinesia or paroxysmal dystonic choreoathetosis (PMID: 15262732, 15496428, 22967746, 25107857). It has also been observed to segregate with disease in related individuals. This variant is not present in population databases (gnomAD no frequency). This sequence change replaces alanine, which is neutral and non-polar, with valine, which is neutral and non-polar, at codon 7 of the PNKD protein (p.Ala7Val).

MGZ Medical Genetics Center
Classification: Likely pathogenic for Paroxysmal nonkinesigenic dyskinesia 1. Last evaluated: 2022-03-09. Review status: criteria provided, single submitter. Criteria: ACMG Guidelines, 2015. Collection method: clinical testing. Allele origin: germline. Affected: yes. Observed: 2 variant alleles.
Comment: ACMG criteria applied: PS4, PP1_MOD, PP3

Victorian Clinical Genetics Services, Murdoch Childrens Research Institute
Classification: Pathogenic for Paroxysmal nonkinesigenic dyskinesia 1. Last evaluated: 2020-05-25. Review status: criteria provided, single submitter. Criteria: ACMG Guidelines, 2015. Collection method: clinical testing. Allele origin: germline. Inheritance: Autosomal dominant inheritance. Affected: yes.
Comment: Based on the classification scheme VCGS_Germline_v1.1.1, this variant is classified as Pathogenic. Following criteria are met: 0105 - The mechanism of disease for this gene is not clearly established. (N) 0107 - This gene is known to be associated with autosomal dominant disease. (N) 0112 - Variants in this gene are known to have reduced penetrance (OMIM). (N) 0200 - Variant is predicted to result in a missense amino acid change from alanine to valine (exon 1). (N) 0251 - Variant is heterozygous. (N) 0301 - Variant is absent from gnomAD. (P) 0502 - Missense variant with conflicting in-silico predictions and/or uninformative conservation. (N) 0604 - Variant is not located in an established domain, motif, hotspot or informative constraint region. (N) 0801 - Strong previous evidence of pathogenicity in unrelated individuals. The variant has been previously described as pathogenic in multiple individuals with paroxysmal nonkinesigenic dyskinesia (PMID: 15262732, 15496428, 15824259). (P) 0901 - Strong evidence for segregation with disease. The variant has also been shown to segregate with disease in multiple families (PMID: 15262732, 15496428, 15824259). (P) 1208 - Inheritance information for this variant is not currently available. (N) Legend: (P) - Pathogenic, (N) - Neutral, (B) - Benign

Blueprint Genetics
Classification: Pathogenic for PNKD-related disorders. Last evaluated: 2018-05-29. Review status: criteria provided, single submitter. Criteria: ACMG Guidelines, 2015. Collection method: clinical testing. Allele origin: germline. Affected: yes. Observed: 1 variant allele.

Department of Genetics, Sultan Qaboos University Hospital
Classification: Likely pathogenic for Paroxysmal nonkinesigenic dyskinesia 1. Last evaluated: 2024-06-12. Review status: no assertion criteria provided. Collection method: curation. Allele origin: unknown. Affected: yes. Not counted in ClinVar's aggregate classification.

OMIM
Classification: Pathogenic for PAROXYSMAL NONKINESIGENIC DYSKINESIA 1. Last evaluated: 2005-04-01. Review status: no assertion criteria provided. Collection method: literature only. Allele origin: germline. Not counted in ClinVar's aggregate classification.

GeneReviews
No classification provided. Condition: Paroxysmal nonkinesigenic dyskinesia 1. Review status: no classification provided. Collection method: literature only. Allele origin: germline. Not counted in ClinVar's aggregate classification.

Literature cited by the submitters: PubMed 19124534 (cited by Labcorp Genetics (formerly Invitae), Labcorp); PubMed 21487022 (cited by Labcorp Genetics (formerly Invitae), Labcorp); PubMed 15262732 (cited by 4 submitters); PubMed 15496428 (cited by 4 submitters); PubMed 22967746 (cited by Labcorp Genetics (formerly Invitae), Labcorp); PubMed 25107857 (cited by Labcorp Genetics (formerly Invitae), Labcorp); PubMed 15824259 (cited by Victorian Clinical Genetics Services, Murdoch Childrens Research Institute and OMIM); PubMed 20301400 (cited by GeneReviews).

NM_015488.5(PNKD):c.20C>T (p.Ala7Val)

Genes: PNKD (PNKD metallo-beta-lactamase domain containing; plus strand), LOC129935594 (ATAC-STARR-seq lymphoblastoid active region 17117; plus strand). Cytogenetic location: 2q35.
Variant type: single nucleotide variant.
Coding change: c.20C>T on transcript NM_015488.5 (MANE Select); coding-DNA position 20, C replaced by T.
Protein change: p.Ala7Val; replaces alanine 7 with valine.
Molecular consequence: missense variant.
Genome position (GRCh38, 1-based): chr2:218,270,555, C>T. VCF-style: chr2-218270555-C-T. GRCh37 (hg19) VCF-style: chr2-219135278-C-T.
Other names: c.20C>T, p.Ala7Val (NM_001077399.3); short protein forms A7V.
Identifiers: ClinVar variation 1893 (VCV000001893.18), dbSNP rs121434512, ClinGen allele CA251963.
Genomic context (GRCh38, chr2:218,270,555, plus strand): 5'-TCCCGGCGGGGAGCGCGGTGAAGCGGGGGTGGGATCTGAACATGGCGGCGGTGGTAGCTG[C>T]TACGGCGCTGAAGGGCCGGGGGGCGAGAAATGCCCGCGTCCTCCGGGGTAAGGAGAGGGA-3'
Protein context (NP_056303.3, residues 1-17): MAAVVA[Ala7Val]TALKGRGARN